The following is an entry in ClinVar:

ClinVar aggregate classification (germline): Uncertain significance (1 of 4 stars; one submission).

Conditions:
Atrial fibrillation, familial, 14 (ATFB14). Identifiers: MedGen C3809312, MONDO:0014156, OMIM 615378.

gnomAD v4.1: 6 of 1,614,096 alleles (0.00037%); highest among the groups gnomAD compares: South Asian, 0.0033%; no homozygotes.

Submission:

Labcorp Genetics (formerly Invitae), Labcorp
Classification: Uncertain significance for Atrial fibrillation, familial, 14. Last evaluated: 2024-08-14. Review status: criteria provided, single submitter. Criteria: Invitae Variant Classification Sherloc (09022015). Collection method: clinical testing. Allele origin: germline.
Comment: This sequence change replaces glutamic acid, which is acidic and polar, with valine, which is neutral and non-polar, at codon 201 of the SCN2B protein (p.Glu201Val). This variant is present in population databases (rs772336314, gnomAD 0.003%). This variant has not been reported in the literature in individuals affected with SCN2B-related conditions. An algorithm developed to predict the effect of missense changes on protein structure and function (PolyPhen-2) suggests that this variant is likely to be disruptive. Algorithms developed to predict the effect of sequence changes on RNA splicing suggest that this variant may create or strengthen a splice site. In summary, the available evidence is currently insufficient to determine the role of this variant in disease. Therefore, it has been classified as a Variant of Uncertain Significance.

NM_004588.5(SCN2B):c.602A>T (p.Glu201Val)

Gene: SCN2B (sodium voltage-gated channel beta subunit 2; minus strand). Cytogenetic location: 11q23.3.
Variant type: single nucleotide variant.
Coding change: c.602A>T on transcript NM_004588.5 (MANE Select); coding-DNA position 602, A replaced by T.
Protein change: p.Glu201Val; replaces glutamic acid 201 with valine.
Molecular consequence: missense variant.
Genome position (GRCh38, 1-based): chr11:118,166,933, T>A on the plus strand (A>T on the coding strand, the complement: SCN2B is on the minus strand). VCF-style: chr11-118166933-T-A. GRCh37 (hg19) VCF-style: chr11-118037648-T-A.
Other names: short protein forms E201V.
Identifiers: ClinVar variation 3649085 (VCV003649085.2).
Genomic context (GRCh38, chr11:118,166,933, plus strand): 5'-GGGCCGGCCACCCACTACTTGGCGCCATCATCCGGGTTGCCTTCACCGTCCGTCTTGCCC[T>A]CCTCCTCGGTCTTCAGGTCATCTGTGCTCAGCTTCTGCTCTTTTTTTCTCCTCACACACT-3'
Protein context (NP_004579.1, residues 191-211): LSTDDLKTEE[Glu201Val]GKTDGEGNPD